The following is an entry in ClinVar:

ClinVar aggregate classification (germline): Uncertain significance. Review status: criteria provided, multiple submitters, no conflicts (2 of 4 stars). 2 submissions from 2 submitters: Uncertain significance (2). Last evaluated 2024-04-06.

Allele frequency attached by ClinVar (database versions not stated): TOPMed 0.00015; gnomAD 0.00008; ESP Exome Variant Server 0.00008; 1000 Genomes Project 30x 0.00016; 1000 Genomes Project 0.00020; ExAC 0.00006.

Submissions (2):

Ambry Genetics
Classification: Uncertain significance. Last evaluated: 2024-04-06. Review status: criteria provided, single submitter. Criteria: Ambry Variant Classification Scheme 2023. Collection method: clinical testing. Allele origin: germline.

Labcorp Genetics (formerly Invitae), Labcorp
Classification: Uncertain significance. Last evaluated: 2023-01-23. Review status: criteria provided, single submitter. Criteria: Invitae Variant Classification Sherloc (09022015). Collection method: clinical testing. Allele origin: germline.
Comment: In summary, the available evidence is currently insufficient to determine the role of this variant in disease. Therefore, it has been classified as a Variant of Uncertain Significance. Advanced modeling of protein sequence and biophysical properties (such as structural, functional, and spatial information, amino acid conservation, physicochemical variation, residue mobility, and thermodynamic stability) performed at Invitae indicates that this missense variant is expected to disrupt FAT2 protein function. This variant has not been reported in the literature in individuals affected with FAT2-related conditions. This variant is present in population databases (rs149703698, gnomAD 0.06%). This sequence change replaces valine, which is neutral and non-polar, with methionine, which is neutral and non-polar, at codon 381 of the FAT2 protein (p.Val381Met).

NM_001447.3(FAT2):c.1141G>A (p.Val381Met)

Gene: FAT2 (FAT atypical cadherin 2; minus strand). Cytogenetic location: 5q33.1.
Variant type: single nucleotide variant.
Coding change: c.1141G>A on transcript NM_001447.3 (MANE Select); coding-DNA position 1141, G replaced by A.
Protein change: p.Val381Met; replaces valine 381 with methionine.
Molecular consequence: missense variant.
Genome position (GRCh38, 1-based): chr5:151,567,791, C>T on the plus strand (G>A on the coding strand, the complement: FAT2 is on the minus strand). VCF-style: chr5-151567791-C-T. GRCh37 (hg19) VCF-style: chr5-150947352-C-T.
Other names: c.1141G>A (NM_001447.2); short protein forms V381M.
Identifiers: ClinVar variation 2072847 (VCV002072847.5), dbSNP rs149703698, ClinGen allele CA3522307.